The following is an entry in ClinVar:

ClinVar aggregate classification (germline): Uncertain significance (1 of 4 stars; one submission).

Allele frequency attached by ClinVar (database versions not stated): TOPMed below 0.00001; gnomAD exomes 0.00001.
gnomAD v4.1: 11 of 1,613,968 alleles (0.00068%); highest among the groups gnomAD compares: Non-Finnish European, 0.00076%; no homozygotes.

Submission:

Labcorp Genetics (formerly Invitae), Labcorp
Classification: Uncertain significance. Last evaluated: 2022-01-27. Review status: criteria provided, single submitter. Criteria: Invitae Variant Classification Sherloc (09022015). Collection method: clinical testing. Allele origin: germline.
Comment: This sequence change replaces valine, which is neutral and non-polar, with methionine, which is neutral and non-polar, at codon 638 of the FAT1 protein (p.Val638Met). This variant is not present in population databases (gnomAD no frequency). This variant has not been reported in the literature in individuals affected with FAT1-related conditions. Algorithms developed to predict the effect of missense changes on protein structure and function output the following: SIFT: "Tolerated"; PolyPhen-2: "Benign"; Align-GVGD: "Class C0". The methionine amino acid residue is found in multiple mammalian species, which suggests that this missense change does not adversely affect protein function. In summary, the available evidence is currently insufficient to determine the role of this variant in disease. Therefore, it has been classified as a Variant of Uncertain Significance.

NM_005245.4(FAT1):c.1912G>A (p.Val638Met)

Gene: FAT1 (FAT atypical cadherin 1; minus strand). Cytogenetic location: 4q35.2.
Variant type: single nucleotide variant.
Coding change: c.1912G>A on transcript NM_005245.4 (MANE Select); coding-DNA position 1912, G replaced by A.
Protein change: p.Val638Met; replaces valine 638 with methionine.
Molecular consequence: missense variant.
Genome position (GRCh38, 1-based): chr4:186,707,916, C>T on the plus strand (G>A on the coding strand, the complement: FAT1 is on the minus strand). VCF-style: chr4-186707916-C-T. GRCh37 (hg19) VCF-style: chr4-187629070-C-T.
Other names: short protein forms V638M.
Identifiers: ClinVar variation 1923552 (VCV001923552.5), dbSNP rs946017212, ClinGen allele CA112181844.